The following is an entry in ClinVar:

ClinVar aggregate classification (germline): Uncertain significance (1 of 4 stars; one submission).

Conditions:
Alstrom syndrome (ALMS). Identifiers: Orphanet 64, MedGen C0268425, MONDO:0008763, OMIM 203800.

Allele frequency attached by ClinVar (database versions not stated): gnomAD exomes below 0.00001; TOPMed 0.00001.
gnomAD v4.1: 2 of 1,614,202 alleles (0.00012%); highest among the groups gnomAD compares: Non-Finnish European, 0.000085%; no homozygotes.

Submission:

Labcorp Genetics (formerly Invitae), Labcorp
Classification: Uncertain significance for Alstrom syndrome. Last evaluated: 2022-01-11. Review status: criteria provided, single submitter. Criteria: Invitae Variant Classification Sherloc (09022015). Collection method: clinical testing. Allele origin: germline.
Comment: This sequence change replaces glutamine, which is neutral and polar, with histidine, which is basic and polar, at codon 2742 of the ALMS1 protein (p.Gln2742His). This variant is present in population databases (no rsID available, gnomAD 0.0009%). This variant has not been reported in the literature in individuals affected with ALMS1-related conditions. Experimental studies and prediction algorithms are not available or were not evaluated, and the functional significance of this variant is currently unknown. In summary, the available evidence is currently insufficient to determine the role of this variant in disease. Therefore, it has been classified as a Variant of Uncertain Significance.

NM_001378454.1(ALMS1):c.8223G>T (p.Gln2741His)

Gene: ALMS1 (ALMS1 centrosome and basal body associated protein; plus strand). Cytogenetic location: 2p13.1.
Variant type: single nucleotide variant.
Coding change: c.8223G>T on transcript NM_001378454.1 (MANE Select); coding-DNA position 8223, G replaced by T.
Protein change: p.Gln2741His; replaces glutamine 2741 with histidine.
Molecular consequence: missense variant.
Genome position (GRCh38, 1-based): chr2:73,490,182, G>T. VCF-style: chr2-73490182-G-T. GRCh37 (hg19) VCF-style: chr2-73717309-G-T.
Other names: c.8226G>T, p.Gln2742His (NM_015120.4); short protein forms Q2741H, Q2742H.
Identifiers: ClinVar variation 2042624 (VCV002042624.1), dbSNP rs1355869476, ClinGen allele CA347267908.